The following is an entry in ClinVar:

NM_032380.5(GFM2):c.509C>G (p.Ala170Gly)

Gene: GFM2 (GTP dependent ribosome recycling factor mitochondrial 2; minus strand). Cytogenetic location: 5q13.3.
Variant type: single nucleotide variant.
Coding change: c.509C>G on transcript NM_032380.5 (MANE Select); coding-DNA position 509, C replaced by G.
Protein change: p.Ala170Gly; replaces alanine 170 with glycine.
Molecular consequence: missense variant. On other transcripts: non-coding transcript variant (1).
Genome position (GRCh38, 1-based): chr5:74,750,589, G>C on the plus strand (C>G on the coding strand, the complement: GFM2 is on the minus strand). VCF-style: chr5-74750589-G-C. GRCh37 (hg19) VCF-style: chr5-74046414-G-C.
Other names: c.605C>G, p.Ala202Gly (NM_001281302.2); c.509C>G, p.Ala170Gly (NM_170681.3, NM_170691.3); short protein forms A202G, A170G.
Identifiers: ClinVar variation 2013235 (VCV002013235.4), dbSNP rs2478957606, ClinGen allele CA360085033.

ClinVar aggregate classification (germline): Uncertain significance (1 of 4 stars; one submission).

Submission:

Labcorp Genetics (formerly Invitae), Labcorp
Classification: Uncertain significance. Last evaluated: 2022-07-15. Review status: criteria provided, single submitter. Criteria: Invitae Variant Classification Sherloc (09022015). Collection method: clinical testing. Allele origin: germline.
Comment: This sequence change replaces alanine, which is neutral and non-polar, with glycine, which is neutral and non-polar, at codon 170 of the GFM2 protein (p.Ala170Gly). This variant is not present in population databases (gnomAD no frequency). This variant has not been reported in the literature in individuals affected with GFM2-related conditions. Algorithms developed to predict the effect of missense changes on protein structure and function (SIFT, PolyPhen-2, Align-GVGD) all suggest that this variant is likely to be disruptive. In summary, the available evidence is currently insufficient to determine the role of this variant in disease. Therefore, it has been classified as a Variant of Uncertain Significance.